The following is an entry in ClinVar:

NM_001101648.2(NPC1L1):c.529G>A (p.Val177Ile)

Gene: NPC1L1 (NPC1 like intracellular cholesterol transporter 1; minus strand). Cytogenetic location: 7p13.
Variant type: single nucleotide variant.
Coding change: c.529G>A on transcript NM_001101648.2 (MANE Select); coding-DNA position 529, G replaced by A.
Protein change: p.Val177Ile; replaces valine 177 with isoleucine.
Molecular consequence: missense variant.
Genome position (GRCh38, 1-based): chr7:44,539,868, C>T on the plus strand (G>A on the coding strand, the complement: NPC1L1 is on the minus strand). VCF-style: chr7-44539868-C-T. GRCh37 (hg19) VCF-style: chr7-44579467-C-T.
Other names: c.529G>A, p.Val177Ile (NM_001300967.2, NM_013389.3); short protein forms V177I.
Identifiers: ClinVar variation 445756 (VCV000445756.26), dbSNP rs149017550, ClinGen allele CA4242421.

ClinVar aggregate classification (germline): Likely benign. Review status: criteria provided, multiple submitters, no conflicts (2 of 4 stars). 2 submissions from 2 submitters: Likely benign (2). Last evaluated 2023-01-01.

Allele frequency attached by ClinVar (database versions not stated): 1000 Genomes Project 30x 0.00172; 1000 Genomes Project 0.00200; TOPMed 0.00247; ESP Exome Variant Server 0.00400; gnomAD exomes 0.00407 and 0.00635; gnomAD 0.00604 and 0.00635; ExAC 0.00659.

Submissions (2):

CeGaT Center for Human Genetics Tuebingen
Classification: Likely benign. Last evaluated: 2023-01-01. Review status: criteria provided, single submitter. Criteria: CeGaT Center For Human Genetics Tuebingen Variant Classification Criteria Version 2. Collection method: clinical testing. Allele origin: germline. Affected: yes. Observed: 1 variant allele.
Comment: NPC1L1: BP4, BS2

Center for Pediatric Genomic Medicine, Children's Mercy Hospital and Clinics
Classification: Likely benign. Last evaluated: 2017-08-14. Review status: criteria provided, single submitter. Criteria: ACMG Guidelines, 2015. Collection method: clinical testing. Allele origin: germline.